The following is an entry in ClinVar:

ClinVar aggregate classification (germline): Uncertain significance (1 of 4 stars; one submission).

Conditions:
Hypertrophic cardiomyopathy. Also called: HYPERTROPHIC MYOCARDIOPATHY. Identifiers: Orphanet 217569, MedGen C0007194, MeSH D002312, MONDO:0005045, HP:0001639.

Allele frequency attached by ClinVar (database versions not stated): gnomAD exomes below 0.00001; TOPMed below 0.00001; ExAC 0.00001.

Submission:

All of Us Research Program, National Institutes of Health
Classification: Uncertain significance for Hypertrophic cardiomyopathy. Last evaluated: 2023-12-18. Review status: criteria provided, single submitter. Criteria: ACMG Guidelines, 2015. Collection method: clinical testing. Allele origin: germline. Inheritance: Autosomal dominant inheritance. Observed: 1 variant allele, 1 heterozygote.
Comment: This variant results in the loss of the translation initiator methionine at codon 1 of the MYL3 gene. This variant is expected to disrupt translation initiation and result in an absent or truncated protein product. To our knowledge, functional studies have not been reported for this variant. This variant has been reported in one individual affected with hypertrophic cardiomyopathy (PMID: 33495597). This variant has been identified in 2/250586 chromosomes in the general population by the Genome Aggregation Database (gnomAD). Clinical relevance of loss-of-function MYL3 truncation variants in autosomal dominant cardiovascular disorders is not clearly established. The available evidence is insufficient to determine the role of this variant in disease conclusively. Therefore, this variant is classified as a Variant of Uncertain Significance.

This study involves interpretation of variants in research participants for the purpose of population health screening. Participant phenotype was not available at the time of variant classification. Additional details can be found in publication PMID: 35346344, PMCID: PMC8962531

Literature cited by the submitters: PubMed 33495597.

NM_000258.3(MYL3):c.2del (p.Met1fs)

Gene: MYL3 (myosin light chain 3; minus strand). Cytogenetic location: 3p21.31.
Variant type: Deletion.
Coding change: c.2del on transcript NM_000258.3 (MANE Select); coding-DNA position 2, one base deleted (T; older notation c.2delT).
Protein change: p.Met1fs; shifts the reading frame from methionine 1.
Molecular consequence: frameshift variant, initiator codon variant.
Genome position (GRCh38, 1-based): chr3:46,863,389, A deleted on the plus strand (T on the coding strand, the reverse complement: MYL3 is on the minus strand). VCF-style (leftmost placement, unchanged base first): chr3-46863388-CA-C. GRCh37 (hg19) VCF-style: chr3-46904878-CA-C.
Other names: c.2del, p.Met1fs (NM_001406937.1, NM_001406938.1, NM_001406939.1); short protein forms M1fs.
Identifiers: ClinVar variation 3075513 (VCV003075513.1), dbSNP rs772489469, ClinGen allele CA043375.